The following is an entry in ClinVar:

NM_006852.6(TLK2):c.1790T>G (p.Ile597Ser)

Gene: TLK2 (tousled like kinase 2; plus strand). Cytogenetic location: 17q23.2.
Variant type: single nucleotide variant.
Coding change: c.1790T>G on transcript NM_006852.6 (MANE Select); coding-DNA position 1790, T replaced by G.
Protein change: p.Ile597Ser; replaces isoleucine 597 with serine.
Molecular consequence: missense variant.
Genome position (GRCh38, 1-based): chr17:62,602,111, T>G. VCF-style: chr17-62602111-T-G. GRCh37 (hg19) VCF-style: chr17-60679472-T-G.
Other names: c.1343T>G, p.Ile448Ser (NM_001375273.1, NM_001330418.3); c.1505T>G, p.Ile502Ser (NM_001411074.1); c.1694T>G, p.Ile565Ser (NM_001438203.1, NM_001438204.1, NM_001284363.1 and 1 more transcripts); c.1601T>G, p.Ile534Ser (NM_001438205.1); c.1856T>G, p.Ile619Ser (NM_001284333.3); c.1832T>G, p.Ile611Ser (NM_001375269.1); c.1790T>G, p.Ile597Ser (NM_001375270.1, NM_001375271.1); short protein forms I534S, I565S, I597S, I611S, I619S, I448S, I502S.
Identifiers: ClinVar variation 4540207 (VCV004540207.1).

ClinVar aggregate classification (germline): Uncertain significance (1 of 4 stars; one submission).

Submission:

GeneDx
Classification: Uncertain significance. Last evaluated: 2025-06-24. Review status: criteria provided, single submitter. Criteria: GeneDx Variant Classification Process June 2021. Collection method: clinical testing. Allele origin: germline. Affected: yes.
Comment: Not observed at significant frequency in large population cohorts (gnomAD); In silico analysis supports that this missense variant has a deleterious effect on protein structure/function; Has not been previously published as pathogenic or benign to our knowledge.